The following is an entry in ClinVar:

NM_001024383.2(NAV3):c.6892C>T (p.Pro2298Ser)

Gene: NAV3 (neuron navigator 3; plus strand). Cytogenetic location: 12q21.2.
Variant type: single nucleotide variant.
Coding change: c.6892C>T on transcript NM_001024383.2 (MANE Select); coding-DNA position 6892, C replaced by T.
Protein change: p.Pro2298Ser; replaces proline 2298 with serine.
Molecular consequence: missense variant.
Genome position (GRCh38, 1-based): chr12:78,204,992, C>T. VCF-style: chr12-78204992-C-T. GRCh37 (hg19) VCF-style: chr12-78598772-C-T.
Other names: c.6826C>T, p.Pro2276Ser (NM_014903.6); short protein forms P2276S, P2298S.
Identifiers: ClinVar variation 3647512 (VCV003647512.2).
Genomic context (GRCh38, chr12:78,204,992, plus strand): 5'-TAGATGTATGGGAAACGCACACCATGGGAAGATCCTTCAAAGTGGGTGCTTGACACATAT[C>T]CATGGAGCTCAGCAACTCTGCCTCAGGAGAGCCCAGCCTTACTTCAGCTGCGACCAGAAG-3'
Protein context (NP_001019554.1, residues 2288-2308): DPSKWVLDTY[Pro2298Ser]WSSATLPQES

ClinVar aggregate classification (germline): Uncertain significance (1 of 4 stars; one submission).

Submission:

Labcorp Genetics (formerly Invitae), Labcorp
Classification: Uncertain significance. Last evaluated: 2024-09-28. Review status: criteria provided, single submitter. Criteria: Invitae Variant Classification Sherloc (09022015). Collection method: clinical testing. Allele origin: germline.
Comment: This sequence change replaces proline, which is neutral and non-polar, with serine, which is neutral and polar, at codon 2298 of the NAV3 protein (p.Pro2298Ser). This variant is not present in population databases (gnomAD no frequency). This variant has not been reported in the literature in individuals affected with NAV3-related conditions. An algorithm developed to predict the effect of missense changes on protein structure and function (PolyPhen-2) suggests that this variant is likely to be disruptive. In summary, the available evidence is currently insufficient to determine the role of this variant in disease. Therefore, it has been classified as a Variant of Uncertain Significance.